The following is an entry in ClinVar:

ClinVar aggregate classification (germline): Benign/Likely benign. Review status: criteria provided, multiple submitters, no conflicts (2 of 4 stars). 2 submissions from 2 submitters: Benign (1); Likely benign (1). Last evaluated 2025-02-16.

Conditions:
Leigh syndrome (NULS). Also called: Leigh's necrotizing encephalopathy; Leigh's disease; Leigh Syndrome (mtDNA deletion); Leigh Disease; Subacute necrotizing encephalopathy; Necrotizing encephalopathy infantile subacute of Leigh. Identifiers: Orphanet 506, MedGen C2931891, MONDO:0009723, OMIM 256000.

Submissions (2):

Laboratory of Genetics, Children's Clinical University Hospital Latvia
Classification: Likely benign. Last evaluated: 2025-02-16. Review status: criteria provided, single submitter. Criteria: ACMG Guidelines, 2015. Collection method: clinical testing. Allele origin: germline. Affected: yes.

Wong Mito Lab, Molecular and Human Genetics, Baylor College of Medicine
Classification: Benign for Leigh syndrome. Last evaluated: 2019-10-17. Review status: criteria provided, single submitter. Criteria: Modified ACMG Guidelines (Unpublished). Collection method: clinical testing. Allele origin: germline.
Comment: The NC_012920.1:m.3745G>A (YP_003024026.1:p.Ala147Thr) variant in MTND1 gene is interpretated to be a Benign variant based on the modified ACMG guidelines (unpublished). This variant meets the following evidence codes: BS1, BS2, BP4

NC_012920.1(MT-ND1):m.3745G>A

Gene: MT-ND1 (mitochondrially encoded NADH dehydrogenase 1; plus strand).
Variant type: single nucleotide variant.
Genome position: chrM-3745-G-A.
Identifiers: ClinVar variation 692394 (VCV000692394.2), dbSNP rs1556422777, ClinGen allele CA414773422.